The following is an entry in ClinVar:

NM_001206641.3(COA6):c.349G>T (p.Glu117Ter)

Gene: COA6 (cytochrome c oxidase assembly factor 6; plus strand). Cytogenetic location: 1q42.2.
Variant type: single nucleotide variant.
Coding change: c.349G>T on transcript NM_001206641.3 (MANE Select); coding-DNA position 349, G replaced by T.
Protein change: p.Glu117Ter; replaces glutamic acid 117 with a stop codon.
Molecular consequence: nonsense.
Genome position (GRCh38, 1-based): chr1:234,374,366, G>T. VCF-style: chr1-234374366-G-T. GRCh37 (hg19) VCF-style: chr1-234510112-G-T.
Other names: c.259G>T, p.Glu87Ter (NM_001012985.2); c.121G>T, p.Glu41Ter (NM_001301733.1); short protein forms E87*, E117*, E41*.
Identifiers: ClinVar variation 144037 (VCV000144037.4), dbSNP rs146440690, ClinGen allele CA170599.

ClinVar aggregate classification (germline): Uncertain significance. Review status: criteria provided, single submitter (1 of 4 stars). 2 submissions from 2 submitters: Uncertain significance (1). 1 of the submissions does not count toward it. Last evaluated 2023-05-08.

Conditions:
Cardioencephalomyopathy, fatal infantile, due to cytochrome c oxidase deficiency 4 (MC4DN13). Also called: MITOCHONDRIAL COMPLEX IV DEFICIENCY, NUCLEAR TYPE 13. Identifiers: Orphanet 1561, MedGen C4225304, MONDO:0014668, OMIM 616501.

Allele frequency attached by ClinVar (database versions not stated): ExAC 0.00001; TOPMed 0.00001; gnomAD exomes 0.00002; ESP Exome Variant Server 0.00008.
gnomAD v4.1: 80 of 1,613,840 alleles (0.005%); highest among the groups gnomAD compares: Non-Finnish European, 0.0067%; no homozygotes.

Submissions (2):

Labcorp Genetics (formerly Invitae), Labcorp
Classification: Uncertain significance. Last evaluated: 2023-05-08. Review status: criteria provided, single submitter. Criteria: Invitae Variant Classification Sherloc (09022015). Collection method: clinical testing. Allele origin: germline.
Comment: In summary, the available evidence is currently insufficient to determine the role of this variant in disease. Therefore, it has been classified as a Variant of Uncertain Significance. ClinVar contains an entry for this variant (Variation ID: 144037). This premature translational stop signal has been observed in individual(s) with clinical features of COA6-related conditions (PMID: 24549041). This variant is present in population databases (rs146440690, gnomAD 0.004%). This sequence change creates a premature translational stop signal (p.Glu87*) in the COA6 gene. While this is not anticipated to result in nonsense mediated decay, it is expected to disrupt the last 39 amino acid(s) of the COA6 protein.

OMIM
Classification: Pathogenic for MITOCHONDRIAL COMPLEX IV DEFICIENCY, NUCLEAR TYPE 13. Last evaluated: 2014-07-01. Review status: no assertion criteria provided. Collection method: literature only. Allele origin: germline. Not counted in ClinVar's aggregate classification.

Literature cited by the submitters: PubMed 24549041 (cited by Labcorp Genetics (formerly Invitae), Labcorp and OMIM).